The following is an entry in ClinVar:

ClinVar aggregate classification (germline): Uncertain significance. Review status: criteria provided, multiple submitters, no conflicts (2 of 4 stars). 2 submissions from 2 submitters: Uncertain significance (2). Last evaluated 2025-11-04.

Conditions:
Hereditary cancer-predisposing syndrome. Also called: Neoplastic Syndromes, Hereditary; Hereditary Cancer Syndrome; Tumor predisposition; Hereditary neoplastic syndrome. Identifiers: Orphanet 140162, MedGen C0027672, MeSH D009386, MONDO:0015356.
Neuroblastoma, susceptibility to, 3. Also called: ALK-Related Neuroblastic Tumor Susceptibility. Identifiers: Orphanet 635, MedGen C2751681, MONDO:0013083, OMIM 613014.

Submissions (3):

Ambry Genetics
Classification: Uncertain significance for Hereditary cancer-predisposing syndrome. Last evaluated: 2025-11-04. Review status: criteria provided, single submitter. Criteria: Ambry Variant Classification Scheme 2023. Collection method: clinical testing. Allele origin: germline.
Comment: The p.R1209P variant (also known as c.3626G>C), located in coding exon 23 of the ALK gene, results from a G to C substitution at nucleotide position 3626. The arginine at codon 1209 is replaced by proline, an amino acid with dissimilar properties. This amino acid position is highly conserved in available vertebrate species. In addition, this alteration is predicted to be deleterious by in silico analysis. Based on the available evidence, the clinical significance of this variant remains unclear.

Labcorp Genetics (formerly Invitae), Labcorp
Classification: Uncertain significance for Neuroblastoma, susceptibility to, 3. Last evaluated: 2021-07-19. Review status: criteria provided, single submitter. Criteria: Invitae Variant Classification Sherloc (09022015). Collection method: clinical testing. Allele origin: germline.
Comment: This variant is not present in population databases (ExAC no frequency). This sequence change replaces arginine with proline at codon 1209 of the ALK protein (p.Arg1209Pro). The arginine residue is highly conserved and there is a moderate physicochemical difference between arginine and proline. This variant has not been reported in the literature in individuals affected with ALK-related conditions. Algorithms developed to predict the effect of missense changes on protein structure and function are either unavailable or do not agree on the potential impact of this missense change (SIFT: "Deleterious"; PolyPhen-2: "Probably Damaging"; Align-GVGD: "Class C0"). In summary, the available evidence is currently insufficient to determine the role of this variant in disease. Therefore, it has been classified as a Variant of Uncertain Significance.

Dr. Peter K. Rogan Lab, Western University
No classification provided (evidence only). Condition: Familial cancer of breast. Review status: no classification provided. Collection method: in vitro. Allele origin: not applicable. Functional consequence: retained intron. Not counted in ClinVar's aggregate classification.

NM_004304.5(ALK):c.3626G>C (p.Arg1209Pro)

Gene: ALK (ALK receptor tyrosine kinase; minus strand). Cytogenetic location: 2p23.2.
Variant type: single nucleotide variant.
Coding change: c.3626G>C on transcript NM_004304.5 (MANE Select); coding-DNA position 3626, G replaced by C.
Protein change: p.Arg1209Pro; replaces arginine 1209 with proline.
Molecular consequence: missense variant.
Genome position (GRCh38, 1-based): chr2:29,220,725, C>G on the plus strand (G>C on the coding strand, the complement: ALK is on the minus strand). VCF-style: chr2-29220725-C-G. GRCh37 (hg19) VCF-style: chr2-29443591-C-G.
Other names: c.3626G>C (NM_004304.4); c.422G>C, p.Arg141Pro (NM_001353765.2); short protein forms R1209P, R141P.
Identifiers: ClinVar variation 1460580 (VCV001460580.10), dbSNP rs747643140, ClinGen allele CA44655503.
Genomic context (GRCh38, chr2:29,220,725, plus strand): 5'-CCTTGGCACAACAACTGCAGCAAAGACTGGTTCTCACTCACCGGGCGAGGGCGGGTCTCT[C>G]GGAGGAAGGACTTGAGGTCTCCCCCCGCCATGAGCTCCAGCAGGATGAACCGGGGCAGGG-3'
Protein context (NP_004295.2, residues 1199-1219): MAGGDLKSFL[Arg1209Pro]ETRPRPSQPS